The following is an entry in ClinVar:

NM_000377.3(WAS):c.264C>T (p.Tyr88=)

Gene: WAS (WASP actin nucleation promoting factor; plus strand). Cytogenetic location: Xp11.23.
Variant type: single nucleotide variant.
Coding change: c.264C>T on transcript NM_000377.3 (MANE Select); coding-DNA position 264, C replaced by T.
Protein change: p.Tyr88=; no amino-acid change (tyrosine 88 retained).
Molecular consequence: synonymous variant.
Genome position (GRCh38, 1-based): chrX:48,684,414, C>T. VCF-style: chrX-48684414-C-T. GRCh37 (hg19) VCF-style: chrX-48542803-C-T.
Identifiers: ClinVar variation 287856 (VCV000287856.48), dbSNP rs150520117, ClinGen allele CA10403873.

ClinVar aggregate classification (germline): Conflicting classifications of pathogenicity. Review status: criteria provided, conflicting classifications (1 of 4 stars). 7 submissions from 7 submitters: Uncertain significance (1); Benign (1); Likely benign (2). 3 of the submissions do not count toward it. Last evaluated 2026-01-12.

Conditions:
WAS-related disorder. Also called: WAS-related condition; WAS-Related Disorders. Identifiers: MedGen CN381538.
X-linked severe congenital neutropenia (SCNX). Identifiers: Orphanet 86788, MedGen C1845987, MONDO:0010294, OMIM 300299.
Wiskott-Aldrich syndrome (WAS). Also called: ALDRICH SYNDROME; IMMUNODEFICIENCY 2; WISKOTT-ALDRICH SYNDROME 1; Wiskott-aldrich syndrome, somatic. Identifiers: Orphanet 906, MedGen C0043194, MONDO:0010518, OMIM 301000.
Thrombocytopenia 1. Also called: THROMBOCYTOPENIA, X-LINKED, 1; X-linked thrombocytopenia with normal platelets; X-Linked Thrombocytopenia (XLT). Identifiers: Orphanet 268322, Orphanet 852, MedGen C1839163, MONDO:0010743, OMIM 313900.

Allele frequency attached by ClinVar (database versions not stated): gnomAD 0.00008; ESP Exome Variant Server 0.00009; TOPMed 0.00010; gnomAD exomes 0.00011 and 0.00012; ExAC 0.00016.
gnomAD v4.1: 130 of 1,205,598 alleles (0.011%); highest among the groups gnomAD compares: Middle Eastern, 0.53%; 2 homozygotes.

Submissions (7):

Labcorp Genetics (formerly Invitae), Labcorp
Classification: Benign for Wiskott-Aldrich syndrome; X-linked severe congenital neutropenia; Thrombocytopenia 1. Last evaluated: 2026-01-12. Review status: criteria provided, single submitter. Criteria: Invitae Variant Classification Sherloc (09022015). Collection method: clinical testing. Allele origin: germline.

CeGaT Center for Human Genetics Tuebingen
Classification: Likely benign. Last evaluated: 2024-12-01. Review status: criteria provided, single submitter. Criteria: CeGaT Center For Human Genetics Tuebingen Variant Classification Criteria Version 2. Collection method: clinical testing. Allele origin: germline. Affected: yes. Observed: 3 variant alleles.
Comment: WAS: BP4, BP7, BS2

Blueprint Genetics
Classification: Likely benign. Last evaluated: 2024-02-21. Review status: criteria provided, single submitter. Criteria: ACMG Guidelines, 2015. Collection method: clinical testing. Allele origin: germline.

Eurofins Ntd Llc (ga)
Classification: Uncertain significance. Last evaluated: 2018-03-22. Review status: criteria provided, single submitter. Criteria: EGL ClinVar v180209 classification definitions. Collection method: clinical testing. Allele origin: germline. Observed: 2 variant alleles, 2 heterozygotes.

PreventionGenetics, part of Exact Sciences
Classification: Likely benign for WAS-related condition. Last evaluated: 2020-03-04. Review status: no assertion criteria provided. Collection method: clinical testing. Allele origin: germline. Not counted in ClinVar's aggregate classification.
Comment: This variant is classified as likely benign based on ACMG/AMP sequence variant interpretation guidelines (Richards et al. 2015 PMID: 25741868, with internal and published modifications).

Clinical Genetics DNA and cytogenetics Diagnostics Lab, Erasmus MC, Erasmus Medical Center
Classification: Likely benign. Review status: no assertion criteria provided. Collection method: clinical testing. Allele origin: germline. Affected: yes. Study: VKGL Data-share Consensus. Not counted in ClinVar's aggregate classification.

Genome Diagnostics Laboratory, University Medical Center Utrecht
Classification: Likely benign. Review status: no assertion criteria provided. Collection method: clinical testing. Allele origin: germline. Affected: yes. Study: VKGL Data-share Consensus. Not counted in ClinVar's aggregate classification.